The following is an entry in ClinVar:

ClinVar aggregate classification (germline): Likely benign. Review status: criteria provided, multiple submitters, no conflicts (2 of 4 stars). 3 submissions from 3 submitters: Likely benign (3). Last evaluated 2025-11-05.

Conditions:
Inborn genetic diseases. Identifiers: MedGen C0950123, MeSH D030342.

Allele frequency attached by ClinVar (database versions not stated): TOPMed 0.00003; gnomAD 0.00003; ExAC 0.00003; ESP Exome Variant Server 0.00023.
gnomAD v4.1: 116 of 1,613,832 alleles (0.0072%); highest among the groups gnomAD compares: Non-Finnish European, 0.0098%; no homozygotes.

Submissions (3):

Mayo Clinic Laboratories, Mayo Clinic
Classification: Likely benign. Last evaluated: 2025-11-05. Review status: criteria provided, single submitter. Criteria: ACMG Guidelines, 2015. Collection method: clinical testing. Allele origin: germline. Observed: 1 variant allele.
Comment: BP4, BP7

Labcorp Genetics (formerly Invitae), Labcorp
Classification: Likely benign. Last evaluated: 2025-08-24. Review status: criteria provided, single submitter. Criteria: Invitae Variant Classification Sherloc (09022015). Collection method: clinical testing. Allele origin: germline.

Ambry Genetics
Classification: Likely benign for Inborn genetic diseases. Last evaluated: 2024-12-03. Review status: criteria provided, single submitter. Criteria: Ambry Variant Classification Scheme 2023. Collection method: clinical testing. Allele origin: germline.

NM_152703.5(SAMD9L):c.4434G>A (p.Leu1478=)

Gene: SAMD9L (sterile alpha motif domain containing 9 like; minus strand). Cytogenetic location: 7q21.2.
Variant type: single nucleotide variant.
Coding change: c.4434G>A on transcript NM_152703.5 (MANE Select); coding-DNA position 4434, G replaced by A.
Protein change: p.Leu1478=; no amino-acid change (leucine 1478 retained).
Molecular consequence: synonymous variant.
Genome position (GRCh38, 1-based): chr7:93,131,538, C>T on the plus strand (G>A on the coding strand, the complement: SAMD9L is on the minus strand). VCF-style: chr7-93131538-C-T. GRCh37 (hg19) VCF-style: chr7-92760851-C-T.
Other names: p.Leu1478=; c.4434G>A, p.Leu1478= (NM_001303496.3, NM_001303497.3, NM_001303498.3 and 5 more transcripts); c.4434G>A (NM_152703.2).
Identifiers: ClinVar variation 2061781 (VCV002061781.6), dbSNP rs149666036, ClinGen allele CA4343301.
Genomic context (GRCh38, chr7:93,131,538, plus strand): 5'-ATCAAAGTACTGCTCTATTTTGGCCTTGTGAACAATACTGTTTAGACCCTTCCTTTTGCC[C>T]AGATAGAAAAGTGTGCTTGCCTGCTTGGACCTGCACATGCGCTTGTACTGTCCCCTGAAG-3'
Protein context (NP_689916.2, residues 1468-1488): RSKQASTLFY[Leu1478=]GKRKGLNSIV